The following is an entry in ClinVar:

NM_080680.3(COL11A2):c.3568C>T (p.Pro1190Ser)

Gene: COL11A2 (collagen type XI alpha 2 chain; minus strand). Cytogenetic location: 6p21.32.
Variant type: single nucleotide variant.
Coding change: c.3568C>T on transcript NM_080680.3 (MANE Select); coding-DNA position 3568, C replaced by T.
Protein change: p.Pro1190Ser; replaces proline 1190 with serine.
Molecular consequence: missense variant.
Genome position (GRCh38, 1-based): chr6:33,170,340, G>A on the plus strand (C>T on the coding strand, the complement: COL11A2 is on the minus strand). VCF-style: chr6-33170340-G-A. GRCh37 (hg19) VCF-style: chr6-33138117-G-A.
Other names: c.3388C>T, p.Pro1130Ser (NM_001424108.1); c.2722C>T, p.Pro908Ser (NM_001424109.1); c.2542C>T, p.Pro848Ser (NM_001424110.1, NM_001424111.1); c.1522C>T, p.Pro508Ser (NM_001424112.1); c.3247C>T, p.Pro1083Ser (NM_080679.3); c.3310C>T, p.Pro1104Ser (NM_080681.3); short protein forms P1083S, P1190S, P908S, P1104S, P1130S, P508S, P848S.
Identifiers: ClinVar variation 2870787 (VCV002870787.4), dbSNP rs1480725418, ClinGen allele CA363629584.

ClinVar aggregate classification (germline): Uncertain significance. Review status: criteria provided, multiple submitters, no conflicts (2 of 4 stars). 2 submissions from 2 submitters: Uncertain significance (2). Last evaluated 2025-07-23.

Allele frequency attached by ClinVar (database versions not stated): gnomAD exomes below 0.00001; TOPMed 0.00001; gnomAD 0.00002.
gnomAD v4.1: 5 of 1,613,734 alleles (0.00031%); highest among the groups gnomAD compares: Non-Finnish European, 0.00042%; no homozygotes.

Submissions (2):

Labcorp Genetics (formerly Invitae), Labcorp
Classification: Uncertain significance. Last evaluated: 2025-07-23. Review status: criteria provided, single submitter. Criteria: Invitae Variant Classification Sherloc (09022015). Collection method: clinical testing. Allele origin: germline.
Comment: This sequence change replaces proline, which is neutral and non-polar, with serine, which is neutral and polar, at codon 1190 of the COL11A2 protein (p.Pro1190Ser). This variant is not present in population databases (gnomAD no frequency). This variant has not been reported in the literature in individuals affected with COL11A2-related conditions. ClinVar contains an entry for this variant (Variation ID: 2870787). Invitae Evidence Modeling of protein sequence and biophysical properties (such as structural, functional, and spatial information, amino acid conservation, physicochemical variation, residue mobility, and thermodynamic stability) indicates that this missense variant is not expected to disrupt COL11A2 protein function with a negative predictive value of 95%. In summary, the available evidence is currently insufficient to determine the role of this variant in disease. Therefore, it has been classified as a Variant of Uncertain Significance.

Blueprint Genetics
Classification: Uncertain significance. Last evaluated: 2019-09-09. Review status: criteria provided, single submitter. Criteria: ACMG Guidelines, 2015. Collection method: clinical testing. Allele origin: germline.